The following is an entry in ClinVar:

ClinVar aggregate classification (germline): Pathogenic. Review status: criteria provided, multiple submitters, no conflicts (2 of 4 stars). 5 submissions from 5 submitters: Pathogenic (3). 2 of the submissions do not count toward it. Last evaluated 2025-04-25.

Conditions:
Leukocyte adhesion deficiency 1 (LAD1). Also called: LEUKOCYTE ADHESION DEFICIENCY, TYPE I; LAD 1; Lymphocyte function-associated antigen 1 immunodeficiency; LFA 1 immunodeficiency. Identifiers: Orphanet 2968, Orphanet 99842, MedGen C0398738, MONDO:0007293, OMIM 116920.

Allele frequency attached by ClinVar (database versions not stated): ExAC 0.00001; gnomAD exomes 0.00001 and 0.00002; TOPMed 0.00001; gnomAD 0.00002.
gnomAD v4.1: 17 of 1,612,964 alleles (0.0011%); highest among the groups gnomAD compares: East Asian, 0.0045%; no homozygotes.

Submissions (5):

Labcorp Genetics (formerly Invitae), Labcorp
Classification: Pathogenic for Leukocyte adhesion deficiency 1. Last evaluated: 2025-04-25. Review status: criteria provided, single submitter. Criteria: Invitae Variant Classification Sherloc (09022015). Collection method: clinical testing. Allele origin: germline.
Comment: This sequence change replaces proline, which is neutral and non-polar, with leucine, which is neutral and non-polar, at codon 178 of the ITGB2 protein (p.Pro178Leu). This variant is present in population databases (rs137852614, gnomAD 0.01%). This missense change has been observed in individuals with leukocyte adhesion deficiency (PMID: 1347532, 12749013, 30919141, 33391282). ClinVar contains an entry for this variant (Variation ID: 9466). Invitae Evidence Modeling of protein sequence and biophysical properties (such as structural, functional, and spatial information, amino acid conservation, physicochemical variation, residue mobility, and thermodynamic stability) has been performed for this missense variant. However, the output from this modeling did not meet the statistical confidence thresholds required to predict the impact of this variant on ITGB2 protein function. Experimental studies have shown that this missense change affects ITGB2 function (PMID: 12749013). For these reasons, this variant has been classified as Pathogenic.

3billion
Classification: Pathogenic for Leukocyte adhesion deficiency 1. Last evaluated: 2025-03-04. Review status: criteria provided, single submitter. Criteria: ACMG Guidelines, 2015. Collection method: clinical testing. Allele origin: germline. Affected: yes.
Comment: The variant is observed at an extremely low frequency in the gnomAD v4.1.0 dataset (total allele frequency: 0.001%). Predicted Consequence/Location: Missense variant In silico tool predictions suggest damaging effect of the variant on gene or gene product [REVEL: 0.93 (>=0.6, sensitivity 0.68 and specificity 0.92); 3Cnet: 0.99 (> 0.75, sensitivity 0.96 and precision 0.92)]. The same nucleotide change resulting in the same amino acid change has been previously reported as pathogenic/likely pathogenic with strong evidence (ClinVar ID: VCV000009466 /PMID: 7509236 /3billion dataset). The variant has been reported to be in trans with a pathogenic variant as either compound heterozygous or homozygous in at least 2 similarly affected unrelated individuals (PMID: 1347532). A different missense change at the same codon (p.Pro178Ser) has been reported to be associated with ITGB2-related disorder (PMID: 34333755). Therefore, this variant is classified as Pathogenic according to the recommendation of ACMG/AMP guideline.

Revvity Omics, Revvity
Classification: Pathogenic for Leukocyte adhesion deficiency 1. Last evaluated: 2022-08-17. Review status: criteria provided, single submitter. Criteria: ACMG Guidelines, 2015. Collection method: clinical testing. Allele origin: germline.

OMIM
Classification: Pathogenic for LEUKOCYTE ADHESION DEFICIENCY 1. Last evaluated: 1992-03-15. Review status: no assertion criteria provided. Collection method: literature only. Allele origin: germline. Not counted in ClinVar's aggregate classification.

Department of Pediatrics and Developmental Biology, Tokyo Medical and Dental University
Classification: Pathogenic for Leukocyte adhesion deficiency 1. Review status: no assertion criteria provided. Collection method: clinical testing. Allele origin: germline. Inheritance: Autosomal recessive inheritance. Affected: yes. Not counted in ClinVar's aggregate classification.

Literature cited by the submitters: PubMed 1347532 (cited by 3 submitters); PubMed 12749013 (cited by Labcorp Genetics (formerly Invitae), Labcorp); PubMed 30919141 (cited by Labcorp Genetics (formerly Invitae), Labcorp); PubMed 33391282 (cited by Labcorp Genetics (formerly Invitae), Labcorp); PubMed 34333755 (cited by 3billion); PubMed 7509236 (cited by 3billion); PubMed 7143170 (cited by OMIM); PubMed 6142255 (cited by OMIM); PubMed 36353617 (cited by Department of Pediatrics and Developmental Biology, Tokyo Medical and Dental University).

NM_000211.5(ITGB2):c.533C>T (p.Pro178Leu)

Gene: ITGB2 (integrin subunit beta 2; minus strand). Cytogenetic location: 21q22.3.
Variant type: single nucleotide variant.
Coding change: c.533C>T on transcript NM_000211.5 (MANE Select); coding-DNA position 533, C replaced by T.
Protein change: p.Pro178Leu; replaces proline 178 with leucine.
Molecular consequence: missense variant.
Genome position (GRCh38, 1-based): chr21:44,901,700, G>A on the plus strand (C>T on the coding strand, the complement: ITGB2 is on the minus strand). VCF-style: chr21-44901700-G-A. GRCh37 (hg19) VCF-style: chr21-46321615-G-A.
Other names: c.533C>T, p.Pro178Leu (NM_001127491.3, LRG_76t1); c.326C>T, p.Pro109Leu (NM_001303238.2); short protein forms P178L, P109L.
Identifiers: ClinVar variation 9466 (VCV000009466.24), dbSNP rs137852614, ClinGen allele CA120462.